The following is an entry in ClinVar:

ClinVar aggregate classification (germline): Conflicting classifications of pathogenicity. Review status: criteria provided, conflicting classifications (1 of 4 stars). 2 submissions from 2 submitters: Pathogenic (1); Uncertain significance (1). Last evaluated 2025-10-22.

Conditions:
Biotinidase deficiency. Also called: BTD deficiency; Late-onset biotin-responsive multiple carboxylase deficiency; Biotin deficiency. Identifiers: Orphanet 79241, MedGen C0220754, MONDO:0009665, OMIM 253260.

gnomAD v4.1: 1 of 1,608,390 alleles (0.000062%); highest among the groups gnomAD compares: African/African-American, 0.0013%; no homozygotes.

Submissions (2):

Labcorp Genetics (formerly Invitae), Labcorp
Classification: Pathogenic for Biotinidase deficiency. Last evaluated: 2025-10-22. Review status: criteria provided, single submitter. Criteria: Invitae Variant Classification Sherloc (09022015). Collection method: clinical testing. Allele origin: germline.
Comment: This sequence change replaces arginine, which is basic and polar, with leucine, which is neutral and non-polar, at codon 538 of the BTD protein (p.Arg538Leu). This variant is not present in population databases (gnomAD no frequency). This missense change has been observed in individual(s) with biotinidase deficiency (PMID: 34136440). In at least one individual the data is consistent with being in trans (on the opposite chromosome) from a pathogenic variant. ClinVar contains an entry for this variant (Variation ID: 439035). Invitae Evidence Modeling of protein sequence and biophysical properties (such as structural, functional, and spatial information, amino acid conservation, physicochemical variation, residue mobility, and thermodynamic stability) indicates that this missense variant is expected to disrupt BTD protein function with a positive predictive value of 95%. This variant disrupts the p.Arg538 amino acid residue in BTD. Other variant(s) that disrupt this residue have been determined to be pathogenic (PMID: 9099842, 19757147, 22698809, 26810761, 27207447, 27657684, 29359854). This suggests that this residue is clinically significant, and that variants that disrupt this residue are likely to be disease-causing. For these reasons, this variant has been classified as Pathogenic.

Quest Diagnostics Nichols Institute San Juan Capistrano
Classification: Uncertain significance. Last evaluated: 2016-10-03. Review status: criteria provided, single submitter. Criteria: Quest Diagnostics criteria. Collection method: clinical testing. Allele origin: germline.

Literature cited by the submitters: PubMed 34136440 (cited by Labcorp Genetics (formerly Invitae), Labcorp); PubMed 9099842 (cited by Labcorp Genetics (formerly Invitae), Labcorp); PubMed 19757147 (cited by Labcorp Genetics (formerly Invitae), Labcorp); PubMed 22698809 (cited by Labcorp Genetics (formerly Invitae), Labcorp); PubMed 26810761 (cited by Labcorp Genetics (formerly Invitae), Labcorp); PubMed 27207447 (cited by Labcorp Genetics (formerly Invitae), Labcorp); PubMed 27657684 (cited by Labcorp Genetics (formerly Invitae), Labcorp); PubMed 29359854 (cited by Labcorp Genetics (formerly Invitae), Labcorp).

NM_001370658.1(BTD):c.1553G>T (p.Arg518Leu)

Gene: BTD (biotinidase; plus strand). Cytogenetic location: 3p25.1.
Variant type: single nucleotide variant.
Coding change: c.1553G>T on transcript NM_001370658.1 (MANE Select); coding-DNA position 1553, G replaced by T.
Protein change: p.Arg518Leu; replaces arginine 518 with leucine.
Molecular consequence: missense variant. On other transcripts: intron variant (2).
Genome position (GRCh38, 1-based): chr3:15,645,469, G>T. VCF-style: chr3-15645469-G-T. GRCh37 (hg19) VCF-style: chr3-15686976-G-T.
Other names: c.1553G>T, p.Arg518Leu (NM_001407373.1, NM_001407374.1, NM_001407375.1 and 16 more transcripts); c.1015+538G>T (NM_001370752.1); c.399+3412G>T (NM_001370753.1); c.1613G>T, p.Arg538Leu (NM_000060.4); short protein forms R518L.
Identifiers: ClinVar variation 439035 (VCV000439035.12), dbSNP rs397514429, ClinGen allele CA351962560.